The following is an entry in ClinVar:

ClinVar aggregate classification (germline): Uncertain significance (1 of 4 stars; one submission).

Conditions:
Familial cancer of breast. Also called: BREAST CANCER, FAMILIAL; Hereditary breast cancer; hereditary breast carcinoma. Identifiers: Orphanet 227535, MedGen C0346153, MONDO:0016419, OMIM 114480. Disease mechanism: loss of function.

Submission:

Labcorp Genetics (formerly Invitae), Labcorp
Classification: Uncertain significance for Familial cancer of breast. Last evaluated: 2021-06-05. Review status: criteria provided, single submitter. Criteria: Invitae Variant Classification Sherloc (09022015). Collection method: clinical testing. Allele origin: germline.
Comment: In summary, the available evidence is currently insufficient to determine the role of this variant in disease. Therefore, it has been classified as a Variant of Uncertain Significance. Experimental studies and prediction algorithms are not available or were not evaluated, and the functional significance of this variant is currently unknown. This variant has not been reported in the literature in individuals with BARD1-related conditions. This variant is not present in population databases (ExAC no frequency). This variant, c.1171_1179del, results in the deletion of 3 amino acid(s) of the BARD1 protein (p.Ser391_Gly393del), but otherwise preserves the integrity of the reading frame.

NM_000465.4(BARD1):c.1171_1179del (p.Ser391_Gly393del)

Gene: BARD1 (BRCA1 associated RING domain 1; minus strand). Cytogenetic location: 2q35.
Variant type: Deletion.
Coding change: c.1171_1179del on transcript NM_000465.4 (MANE Select); coding-DNA positions 1171 to 1179, 9 bases deleted (TCACCAGGT; older notation c.1171_1179delTCACCAGGT).
Protein change: p.Ser391_Gly393del.
Molecular consequence: inframe deletion. On other transcripts: non-coding transcript variant (2), intron variant (3).
Genome position (GRCh38, 1-based): chr2:214,780,695-214,780,703, ACCTGGTGA deleted on the plus strand (TCACCAGGT on the coding strand, the reverse complement: BARD1 is on the minus strand); deleting any 9 consecutive bases within chr2:214,780,695-214,780,704 gives the same sequence; the c. name uses the placement nearest the transcript's 3' end. VCF-style (leftmost placement, unchanged base first): chr2-214780694-TACCTGGTGA-T. GRCh37 (hg19) VCF-style: chr2-215645418-TACCTGGTGA-T.
Other names: c.1114_1122del, p.Ser372_Gly374del (NM_001282543.2); c.159-28148_159-28140del (NM_001282548.2); c.215+16358_215+16366del (NM_001282545.2); c.364+11594_364+11602del (NM_001282549.2).
Identifiers: ClinVar variation 1423738 (VCV001423738.9), dbSNP rs2106108263, ClinGen allele CA2573135138.
Genomic context (GRCh38, chr2:214,780,694, plus strand): 5'-TTGCTGAGGGACTAGACATCACTCGCCTGTAACTTGAACTACTTAATGTAGAAGGTGGTG[TACCTGGTGA>T]AAGACTAATGAATTCATCGGACATGTTACTGTTTTTCCTCCCTGATGTACCACCAACTTT-3'